The following is an entry in ClinVar:

ClinVar aggregate classification (germline): Uncertain significance. Review status: criteria provided, multiple submitters, no conflicts (2 of 4 stars). 3 submissions from 2 submitters: Uncertain significance (3). Last evaluated 2022-05-12.

Conditions:
Retinitis pigmentosa (RP). Identifiers: Orphanet 791, MedGen C0035334, MeSH D012174, MONDO:0019200, OMIM 268000. Inheritance: Autosomal dominant, autosomal recessive and X linked inheritance.
Leber congenital amaurosis 11 (LCA11). Identifiers: Orphanet 65, MedGen C1840284, MONDO:0013454, OMIM 613837.

Allele frequency attached by ClinVar (database versions not stated): TOPMed 0.00002; ESP Exome Variant Server 0.00008.
gnomAD v4.1: 23 of 1,613,674 alleles (0.0014%); highest among the groups gnomAD compares: African/African-American, 0.0067%; no homozygotes.

Submissions (3):

Labcorp Genetics (formerly Invitae), Labcorp
Classification: Uncertain significance. Last evaluated: 2022-05-12. Review status: criteria provided, single submitter. Criteria: Invitae Variant Classification Sherloc (09022015). Collection method: clinical testing. Allele origin: germline.
Comment: In summary, the available evidence is currently insufficient to determine the role of this variant in disease. Therefore, it has been classified as a Variant of Uncertain Significance. Algorithms developed to predict the effect of missense changes on protein structure and function (SIFT, PolyPhen-2, Align-GVGD) all suggest that this variant is likely to be disruptive. This variant is present in population databases (rs376769056, gnomAD 0.006%). This sequence change replaces arginine, which is basic and polar, with tryptophan, which is neutral and slightly polar, at codon 142 of the IMPDH1 protein (p.Arg142Trp). This variant has not been reported in the literature in individuals affected with IMPDH1-related conditions. ClinVar contains an entry for this variant (Variation ID: 910851).

Illumina Laboratory Services, Illumina
Classification: Uncertain significance for Leber congenital amaurosis 11. Last evaluated: 2017-04-27. Review status: criteria provided, single submitter. Criteria: ICSL Variant Classification Criteria 13 December 2019. Collection method: clinical testing. Allele origin: germline.

Illumina Laboratory Services, Illumina
Classification: Uncertain significance for Retinitis pigmentosa. Last evaluated: 2017-04-27. Review status: criteria provided, single submitter. Criteria: ICSL Variant Classification Criteria 13 December 2019. Collection method: clinical testing. Allele origin: germline.

NM_000883.4(IMPDH1):c.424C>T (p.Arg142Trp)

Gene: IMPDH1 (inosine monophosphate dehydrogenase 1; minus strand). Cytogenetic location: 7q32.1.
Variant type: single nucleotide variant.
Coding change: c.424C>T on transcript NM_000883.4 (MANE Select); coding-DNA position 424, C replaced by T.
Protein change: p.Arg142Trp; replaces arginine 142 with tryptophan.
Molecular consequence: missense variant.
Genome position (GRCh38, 1-based): chr7:128,401,095, G>A on the plus strand (C>T on the coding strand, the complement: IMPDH1 is on the minus strand). VCF-style: chr7-128401095-G-A. GRCh37 (hg19) VCF-style: chr7-128041149-G-A.
Other names: c.394C>T, p.Arg132Trp (NM_001102605.2); c.169C>T, p.Arg57Trp (NM_001142573.2, NM_001142574.2, NM_001142575.2); c.325C>T, p.Arg109Trp (NM_001142576.2); c.217C>T, p.Arg73Trp (NM_001304521.2); c.316C>T, p.Arg106Trp (NM_183243.3); short protein forms R132W, R73W, R106W, R109W, R142W, R57W.
Identifiers: ClinVar variation 910851 (VCV000910851.8), dbSNP rs376769056, ClinGen allele CA4471164.